The following is an entry in ClinVar:

ClinVar aggregate classification (germline): Uncertain significance (1 of 4 stars; one submission).

Conditions:
Hereditary cancer-predisposing syndrome. Also called: Neoplastic Syndromes, Hereditary; Tumor predisposition; Hereditary Cancer Syndrome; Hereditary neoplastic syndrome. Identifiers: Orphanet 140162, MedGen C0027672, MeSH D009386, MONDO:0015356.

Submission:

Ambry Genetics
Classification: Uncertain significance for Hereditary cancer-predisposing syndrome. Last evaluated: 2026-05-21. Review status: criteria provided, single submitter. Criteria: Ambry Variant Classification Scheme 2023. Collection method: clinical testing. Allele origin: germline.
Comment: The p.S655P variant (also known as c.1963T>C), located in coding exon 12 of the SMARCA4 gene, results from a T to C substitution at nucleotide position 1963. The serine at codon 655 is replaced by proline, an amino acid with similar properties. This amino acid position is conserved. In addition, the in silico prediction for this alteration is inconclusive. Based on the available evidence, the clinical significance of this variant remains unclear.

NM_003072.5(SMARCA4):c.1963T>C (p.Ser655Pro)

Gene: SMARCA4 (SWI/SNF related BAF chromatin remodeling complex subunit ATPase 4; plus strand). Cytogenetic location: 19p13.2.
Variant type: single nucleotide variant.
Coding change: c.1963T>C on transcript NM_003072.5 (MANE Select); coding-DNA position 1963, T replaced by C.
Protein change: p.Ser655Pro; replaces serine 655 with proline.
Molecular consequence: missense variant. On other transcripts: non-coding transcript variant (1).
Genome position (GRCh38, 1-based): chr19:11,003,359, T>C. VCF-style: chr19-11003359-T-C. GRCh37 (hg19) VCF-style: chr19-11114035-T-C.
Other names: c.1963T>C, p.Ser655Pro (NM_001128844.3, NM_001128845.2, NM_001128846.2 and 6 more transcripts); short protein forms S655P.
Identifiers: ClinVar variation 4864787 (VCV004864787.1).